The following is an entry in ClinVar:

ClinVar aggregate classification (germline): Uncertain significance (1 of 4 stars; one submission).

Submission:

Ambry Genetics
Classification: Uncertain significance. Last evaluated: 2023-12-29. Review status: criteria provided, single submitter. Criteria: Ambry Variant Classification Scheme 2023. Collection method: clinical testing. Allele origin: germline.
Comment: The p.L946P variant (also known as c.2837T>C), located in coding exon 16 of the PALLD gene, results from a T to C substitution at nucleotide position 2837. The leucine at codon 946 is replaced by proline, an amino acid with similar properties. This amino acid position is conserved. In addition, this alteration is predicted to be deleterious by in silico analysis. Since supporting evidence is limited at this time, the clinical significance of this alteration remains unclear.

NM_001166108.2(PALLD):c.2888T>C (p.Leu963Pro)

Genes: CBR4 (carbonyl reductase 4; minus strand), PALLD (palladin, cytoskeletal associated protein; plus strand). Cytogenetic location: 4q32.3.
Variant type: single nucleotide variant.
Coding change: c.2888T>C on transcript NM_001166108.2 (MANE Select); coding-DNA position 2888, T replaced by C.
Protein change: p.Leu963Pro; replaces leucine 963 with proline.
Molecular consequence: missense variant.
Genome position (GRCh38, 1-based): chr4:168,921,571, T>C. VCF-style: chr4-168921571-T-C. GRCh37 (hg19) VCF-style: chr4-169842722-T-C.
Other names: c.1691T>C, p.Leu564Pro (NM_001166109.2); c.1376T>C, p.Leu459Pro (NM_001166110.2); c.716T>C, p.Leu239Pro (NM_001367567.1, NM_001367569.1); c.767T>C, p.Leu256Pro (NM_001367568.1, NM_001367570.1); c.2837T>C, p.Leu946Pro (NM_016081.4); short protein forms L239P, L256P, L459P, L564P, L946P, L963P.
Identifiers: ClinVar variation 3226787 (VCV003226787.1), dbSNP rs2534192262, ClinGen allele CA358708483.